The following is an entry in ClinVar:

NM_001003722.2(GLE1):c.1777-1G>C

Genes: GLE1 (GLE1 RNA export mediator; plus strand), LOC101929270 (uncharacterized LOC101929270; minus strand). Cytogenetic location: 9q34.11.
Variant type: single nucleotide variant.
Coding change: c.1777-1G>C on transcript NM_001003722.2 (MANE Select); the canonical splice acceptor site of the intron before coding-DNA position 1777, G replaced by C.
Molecular consequence: splice acceptor variant.
Genome position (GRCh38, 1-based): chr9:128,537,985, G>C. VCF-style: chr9-128537985-G-C. GRCh37 (hg19) VCF-style: chr9-131300264-G-C.
Other names: c.1777-1G>C (NM_001499.2); c.1804-1G>C (NM_001411013.1).
Identifiers: ClinVar variation 2702251 (VCV002702251.3), dbSNP rs1768323686, ClinGen allele CA375045186.
Genomic context (GRCh38, chr9:128,537,985, plus strand): 5'-CTGGGAGTTTAGATTTCTAAACAAAATGAGATCAATGATAACCAAGCTTCTCTACTCCCA[G>C]ATTCACCCTCATGGCTTAAATCATGGATGGCGCTGGTTGGCACAGATCTTAAACATGGAG-3'

ClinVar aggregate classification (germline): Likely pathogenic (1 of 4 stars; one submission).

Allele frequency attached by ClinVar (database versions not stated): TOPMed below 0.00001.

Submission:

Labcorp Genetics (formerly Invitae), Labcorp
Classification: Likely pathogenic. Last evaluated: 2023-12-11. Review status: criteria provided, single submitter. Criteria: Invitae Variant Classification Sherloc (09022015). Collection method: clinical testing. Allele origin: germline.
Comment: This sequence change affects an acceptor splice site in intron 12 of the GLE1 gene. It is expected to disrupt RNA splicing. Variants that disrupt the donor or acceptor splice site typically lead to a loss of protein function (PMID: 16199547), and loss-of-function variants in GLE1 are known to be pathogenic (PMID: 18204449, 24243016, 27684565). This variant is not present in population databases (gnomAD no frequency). This variant has not been reported in the literature in individuals affected with GLE1-related conditions. Algorithms developed to predict the effect of sequence changes on RNA splicing suggest that this variant may disrupt the consensus splice site. In summary, the currently available evidence indicates that the variant is pathogenic, but additional data are needed to prove that conclusively. Therefore, this variant has been classified as Likely Pathogenic.

Literature cited by the submitters: PubMed 16199547; PubMed 18204449; PubMed 24243016; PubMed 27684565.